The following is an entry in ClinVar:

ClinVar aggregate classification (germline): Uncertain significance (1 of 4 stars; one submission).

Allele frequency attached by ClinVar (database versions not stated): gnomAD exomes below 0.00001; TOPMed below 0.00001.
gnomAD v4.1: 4 of 1,600,134 alleles (0.00025%); highest among the groups gnomAD compares: Non-Finnish European, 0.00034%; no homozygotes.

Submission:

Labcorp Genetics (formerly Invitae), Labcorp
Classification: Uncertain significance. Last evaluated: 2021-11-08. Review status: criteria provided, single submitter. Criteria: Invitae Variant Classification Sherloc (09022015). Collection method: clinical testing. Allele origin: germline.
Comment: This sequence change replaces isoleucine, which is neutral and non-polar, with valine, which is neutral and non-polar, at codon 386 of the VPS13C protein (p.Ile386Val). This variant is not present in population databases (gnomAD no frequency). This variant has not been reported in the literature in individuals affected with VPS13C-related conditions. Algorithms developed to predict the effect of missense changes on protein structure and function output the following: SIFT: "Tolerated"; PolyPhen-2: "Benign"; Align-GVGD: "Class C0". The valine amino acid residue is found in multiple mammalian species, which suggests that this missense change does not adversely affect protein function. Algorithms developed to predict the effect of sequence changes on RNA splicing suggest that this variant may create or strengthen a splice site. In summary, the available evidence is currently insufficient to determine the role of this variant in disease. Therefore, it has been classified as a Variant of Uncertain Significance.

NM_020821.3(VPS13C):c.1156A>G (p.Ile386Val)

Gene: VPS13C (vacuolar protein sorting 13 homolog C; minus strand). Cytogenetic location: 15q22.2.
Variant type: single nucleotide variant.
Coding change: c.1156A>G on transcript NM_020821.3 (MANE Select); coding-DNA position 1156, A replaced by G.
Protein change: p.Ile386Val; replaces isoleucine 386 with valine.
Molecular consequence: missense variant.
Genome position (GRCh38, 1-based): chr15:62,007,442, T>C on the plus strand (A>G on the coding strand, the complement: VPS13C is on the minus strand). VCF-style: chr15-62007442-T-C. GRCh37 (hg19) VCF-style: chr15-62299641-T-C.
Other names: c.1156A>G, p.Ile386Val (NM_001018088.3); c.1027A>G, p.Ile343Val (NM_017684.5, NM_018080.4); short protein forms I343V, I386V.
Identifiers: ClinVar variation 1402880 (VCV001402880.6), dbSNP rs1436860067, ClinGen allele CA392688009.